The following is an entry in ClinVar:

ClinVar aggregate classification (germline): Uncertain significance (1 of 4 stars; one submission).

Allele frequency attached by ClinVar (database versions not stated): gnomAD 0.00001.
gnomAD v4.1: 11 of 1,612,946 alleles (0.00068%); highest among the groups gnomAD compares: East Asian, 0.0045%; no homozygotes.

Submission:

Labcorp Genetics (formerly Invitae), Labcorp
Classification: Uncertain significance. Last evaluated: 2024-01-25. Review status: criteria provided, single submitter. Criteria: Invitae Variant Classification Sherloc (09022015). Collection method: clinical testing. Allele origin: germline.
Comment: This sequence change replaces proline, which is neutral and non-polar, with leucine, which is neutral and non-polar, at codon 1256 of the LRP5 protein (p.Pro1256Leu). This variant is present in population databases (rs772149876, gnomAD 0.005%). This variant has not been reported in the literature in individuals affected with LRP5-related conditions. Advanced modeling of protein sequence and biophysical properties (such as structural, functional, and spatial information, amino acid conservation, physicochemical variation, residue mobility, and thermodynamic stability) performed at Invitae indicates that this missense variant is not expected to disrupt LRP5 protein function with a negative predictive value of 95%. In summary, the available evidence is currently insufficient to determine the role of this variant in disease. Therefore, it has been classified as a Variant of Uncertain Significance.

NM_002335.4(LRP5):c.3767C>T (p.Pro1256Leu)

Gene: LRP5 (LDL receptor related protein 5; plus strand). Cytogenetic location: 11q13.2.
Variant type: single nucleotide variant.
Coding change: c.3767C>T on transcript NM_002335.4 (MANE Select); coding-DNA position 3767, C replaced by T.
Protein change: p.Pro1256Leu; replaces proline 1256 with leucine.
Molecular consequence: missense variant.
Genome position (GRCh38, 1-based): chr11:68,433,605, C>T. VCF-style: chr11-68433605-C-T. GRCh37 (hg19) VCF-style: chr11-68201073-C-T.
Other names: c.2024C>T, p.Pro675Leu (NM_001291902.2); short protein forms P675L, P1256L.
Identifiers: ClinVar variation 2876404 (VCV002876404.3), dbSNP rs772149876, ClinGen allele CA6150110.